The following is an entry in ClinVar:

ClinVar aggregate classification (germline): Uncertain significance (1 of 4 stars; one submission).

Submission:

Labcorp Genetics (formerly Invitae), Labcorp
Classification: Uncertain significance. Last evaluated: 2024-12-26. Review status: criteria provided, single submitter. Criteria: Invitae Variant Classification Sherloc (09022015). Collection method: clinical testing. Allele origin: germline.
Comment: This sequence change replaces proline, which is neutral and non-polar, with threonine, which is neutral and polar, at codon 254 of the HMCN1 protein (p.Pro254Thr). This variant is not present in population databases (gnomAD no frequency). This variant has not been reported in the literature in individuals affected with HMCN1-related conditions. An algorithm developed to predict the effect of missense changes on protein structure and function (PolyPhen-2) suggests that this variant is likely to be disruptive. In summary, the available evidence is currently insufficient to determine the role of this variant in disease. Therefore, it has been classified as a Variant of Uncertain Significance.

NM_031935.3(HMCN1):c.760C>A (p.Pro254Thr)

Gene: HMCN1 (hemicentin 1; plus strand). Cytogenetic location: 1q31.1.
Variant type: single nucleotide variant.
Coding change: c.760C>A on transcript NM_031935.3 (MANE Select); coding-DNA position 760, C replaced by A.
Protein change: p.Pro254Thr; replaces proline 254 with threonine.
Molecular consequence: missense variant.
Genome position (GRCh38, 1-based): chr1:185,909,475, C>A. VCF-style: chr1-185909475-C-A. GRCh37 (hg19) VCF-style: chr1-185878607-C-A.
Other names: short protein forms P254T.
Identifiers: ClinVar variation 3728127 (VCV003728127.2).